The following is an entry in ClinVar:

ClinVar aggregate classification (germline): Uncertain significance. Review status: criteria provided, multiple submitters, no conflicts (2 of 4 stars). 2 submissions from 2 submitters: Uncertain significance (2). Last evaluated 2023-02-28.

Conditions:
Hermansky-Pudlak syndrome 2 (HPS2). Also called: Platelet defects and oculocutaneous albinism. Identifiers: Orphanet 183678, Orphanet 79430, MedGen C1842362, MONDO:0011997, OMIM 608233.
Inborn genetic diseases. Identifiers: MedGen C0950123, MeSH D030342.

Allele frequency attached by ClinVar (database versions not stated): gnomAD exomes below 0.00001; ExAC 0.00001; gnomAD 0.00004; TOPMed 0.00004; ESP Exome Variant Server 0.00008.
gnomAD v4.1: 10 of 1,609,140 alleles (0.00062%); highest among the groups gnomAD compares: African/African-American, 0.012%; no homozygotes.

Submissions (2):

Ambry Genetics
Classification: Uncertain significance for Inborn genetic diseases. Last evaluated: 2023-02-28. Review status: criteria provided, single submitter. Criteria: Ambry Variant Classification Scheme 2023. Collection method: clinical testing. Allele origin: germline.

Labcorp Genetics (formerly Invitae), Labcorp
Classification: Uncertain significance for Hermansky-Pudlak syndrome 2. Last evaluated: 2021-12-29. Review status: criteria provided, single submitter. Criteria: Invitae Variant Classification Sherloc (09022015). Collection method: clinical testing. Allele origin: germline.
Comment: This sequence change replaces glutamic acid, which is acidic and polar, with lysine, which is basic and polar, at codon 776 of the AP3B1 protein (p.Glu776Lys). This variant is present in population databases (rs146829387, gnomAD 0.01%). This variant has not been reported in the literature in individuals affected with AP3B1-related conditions. Algorithms developed to predict the effect of missense changes on protein structure and function (SIFT, PolyPhen-2, Align-GVGD) all suggest that this variant is likely to be tolerated. In summary, the available evidence is currently insufficient to determine the role of this variant in disease. Therefore, it has been classified as a Variant of Uncertain Significance.

NM_003664.5(AP3B1):c.2326G>A (p.Glu776Lys)

Gene: AP3B1 (adaptor related protein complex 3 subunit beta 1; minus strand). Cytogenetic location: 5q14.1.
Variant type: single nucleotide variant.
Coding change: c.2326G>A on transcript NM_003664.5 (MANE Select); coding-DNA position 2326, G replaced by A.
Protein change: p.Glu776Lys; replaces glutamic acid 776 with lysine.
Molecular consequence: missense variant.
Genome position (GRCh38, 1-based): chr5:78,110,278, C>T on the plus strand (G>A on the coding strand, the complement: AP3B1 is on the minus strand). VCF-style: chr5-78110278-C-T. GRCh37 (hg19) VCF-style: chr5-77406102-C-T.
Other names: c.2179G>A, p.Glu727Lys (NM_001271769.2); c.2326G>A, p.Glu776Lys (NM_001410752.1); c.2326G>A (NM_003664.3); short protein forms E776K, E727K.
Identifiers: ClinVar variation 2170091 (VCV002170091.5), dbSNP rs146829387, ClinGen allele CA3316803.